The following is an entry in ClinVar:

NM_173628.4(DNAH17):c.10959G>A (p.Pro3653=)

Gene: DNAH17 (dynein axonemal heavy chain 17; minus strand). Cytogenetic location: 17q25.3.
Variant type: single nucleotide variant.
Coding change: c.10959G>A on transcript NM_173628.4 (MANE Select); coding-DNA position 10959, G replaced by A.
Protein change: p.Pro3653=; no amino-acid change (proline 3653 retained).
Molecular consequence: synonymous variant.
Genome position (GRCh38, 1-based): chr17:78,450,335, C>T on the plus strand (G>A on the coding strand, the complement: DNAH17 is on the minus strand). VCF-style: chr17-78450335-C-T. GRCh37 (hg19) VCF-style: chr17-76446417-C-T.
Identifiers: ClinVar variation 3046451 (VCV003046451.3), dbSNP rs185361296, ClinGen allele CA8800635.

ClinVar aggregate classification (germline): Likely benign. Review status: criteria provided, single submitter (1 of 4 stars). 2 submissions from 2 submitters: Likely benign (1). 1 of the submissions does not count toward it. Last evaluated 2024-11-18.

Conditions:
DNAH17-related disorder. Also called: DNAH17-related condition.

Allele frequency attached by ClinVar (database versions not stated): ExAC 0.00007; gnomAD 0.00007; ESP Exome Variant Server 0.00008; gnomAD exomes 0.00018; 1000 Genomes Project 0.00020; 1000 Genomes Project 30x 0.00047.
gnomAD v4.1: 277 of 1,614,024 alleles (0.017%); highest among the groups gnomAD compares: Non-Finnish European, 0.021%; no homozygotes.

Submissions (2):

Blueprint Genetics
Classification: Likely benign. Last evaluated: 2024-11-18. Review status: criteria provided, single submitter. Criteria: ACMG Guidelines, 2015. Collection method: clinical testing. Allele origin: germline.

PreventionGenetics, part of Exact Sciences
Classification: Likely benign for DNAH17-related condition. Last evaluated: 2019-03-01. Review status: no assertion criteria provided. Collection method: clinical testing. Allele origin: germline. Not counted in ClinVar's aggregate classification.
Comment: This variant is classified as likely benign based on ACMG/AMP sequence variant interpretation guidelines (Richards et al. 2015 PMID: 25741868, with internal and published modifications).